The following is an entry in ClinVar:

NM_001377.3(DYNC2H1):c.5959A>G (p.Thr1987Ala)

Gene: DYNC2H1 (dynein cytoplasmic 2 heavy chain 1; plus strand). Cytogenetic location: 11q22.3.
Variant type: single nucleotide variant.
Coding change: c.5959A>G on transcript NM_001377.3 (MANE Select); coding-DNA position 5959, A replaced by G.
Protein change: p.Thr1987Ala; replaces threonine 1987 with alanine.
Molecular consequence: missense variant.
Genome position (GRCh38, 1-based): chr11:103,177,640, A>G. VCF-style: chr11-103177640-A-G. GRCh37 (hg19) VCF-style: chr11-103048369-A-G.
Other names: c.5959A>G, p.Thr1987Ala (NM_001080463.2); short protein forms T1987A.
Identifiers: ClinVar variation 6513 (VCV000006513.10), dbSNP rs137853035, ClinGen allele CA210518.
Genomic context (GRCh38, chr11:103,177,640, plus strand): 5'-GAACAGTTATGCCAGAGGATGGGAGTTGTTATTGTTGGTCCAAGTGGTGCTGGAAAATCA[A>G]CGCTTTGGAGAATGTTAAGGGCTGCGCTTTGTAAAACTGGCAAAGTAGTGAAACAATATA-3'
Protein context (NP_001368.2, residues 1977-1997): IVGPSGAGKS[Thr1987Ala]LWRMLRAALC

ClinVar aggregate classification (germline): Likely pathogenic. Review status: criteria provided, multiple submitters, no conflicts (2 of 4 stars). 3 submissions from 3 submitters: Likely pathogenic (2). 1 of the submissions does not count toward it. Last evaluated 2019-10-24.

Conditions:
Asphyxiating thoracic dystrophy 3. Also called: Short rib polydactyly syndrome 2B; SHORT-RIB THORACIC DYSPLASIA 3/6 WITH POLYDACTYLY, DIGENIC; Saldino-Noonan Syndrome; SHORT-RIB THORACIC DYSPLASIA 3 WITH OR WITHOUT POLYDACTYLY; POLYDACTYLY WITH NEONATAL CHONDRODYSTROPHY, TYPE I. Identifiers: Orphanet 474, Orphanet 93269, Orphanet 93270, Orphanet 93271, MedGen C0036069, MONDO:0013127, OMIM 613091.

Submissions (3):

ARUP Laboratories, Molecular Genetics and Genomics, ARUP Laboratories
Classification: Likely pathogenic for Asphyxiating thoracic dystrophy 3. Last evaluated: 2019-10-24. Review status: criteria provided, single submitter. Criteria: ARUP Molecular Germline Variant Investigation Process. Collection method: clinical testing. Allele origin: germline.
Comment: The DYNC2H1 p.Thr1987Ala variant (rs137853035; ClinVar Variation ID 6513), has been previously observed in three siblings with an antenatal diagnosis of short rib polydactyly syndrome (SRP) type III (Dagoneau 2009). This variant is absent from general population databases (1000 Genomes Project, Exome Variant Server, and Genome Aggregation Database), indicating it is not a common polymorphism. The threonine at codon 1987 is highly conserved (Alamut v.2.11) and computational analyses (SIFT, PolyPhen-2) predict that this variant is deleterious. Based on the available information, this variant is considered likely pathogenic. References: Dagoneau N et al. DYNC2H1 mutations cause asphyxiating thoracic dystrophy and short rib-polydactyly syndrome, type III. Am J Hum Genet. 2009 May;84(5):706-11.

GeneDx
Classification: Likely pathogenic. Last evaluated: 2017-10-16. Review status: criteria provided, single submitter. Criteria: GeneDx Variant Classification (06012015). Collection method: clinical testing. Allele origin: germline. Affected: yes.
Comment: The T1987A variant in the DYNC2H1 gene has been reported previously in three fetuses diagnosed with short rib polydactyly type III in a single family (Dagoneau et al., 2009). The T1987A variant is not observed in large population cohorts (Lek et al., 2016). The T1987A variant is a non-conservative amino acid substitution, which is likely to impact secondary protein structure as these residues differ in polarity, charge, size and/or other properties. This substitution occurs at a position that is conserved across species. In silico analysis predicts this variant is probably damaging to the protein structure/function. We interpret T1987A as a likely pathogenic variant.

OMIM
Classification: Pathogenic for SHORT-RIB THORACIC DYSPLASIA 3 WITHOUT POLYDACTYLY. Last evaluated: 2009-05-01. Review status: no assertion criteria provided. Collection method: literature only. Allele origin: germline. Not counted in ClinVar's aggregate classification.

Literature cited by the submitters: PubMed 19442771 (cited by OMIM).